The following is an entry in ClinVar:

NM_001365999.1(SZT2):c.5876T>C (p.Val1959Ala)

Gene: SZT2 (SZT2 subunit of KICSTOR complex; plus strand). Cytogenetic location: 1p34.2.
Variant type: single nucleotide variant.
Coding change: c.5876T>C on transcript NM_001365999.1 (MANE Select); coding-DNA position 5876, T replaced by C.
Protein change: p.Val1959Ala; replaces valine 1959 with alanine.
Molecular consequence: missense variant.
Genome position (GRCh38, 1-based): chr1:43,434,457, T>C. VCF-style: chr1-43434457-T-C. GRCh37 (hg19) VCF-style: chr1-43900128-T-C.
Other names: c.5705T>C, p.Val1902Ala (NM_015284.4); short protein forms V1902A, V1959A.
Identifiers: ClinVar variation 589834 (VCV000589834.23), dbSNP rs141053867, ClinGen allele CA809729.

ClinVar aggregate classification (germline): Uncertain significance. Review status: criteria provided, multiple submitters, no conflicts (2 of 4 stars). 5 submissions from 5 submitters: Uncertain significance (5). Last evaluated 2025-08-01.

Conditions:
Developmental and epileptic encephalopathy, 18 (DEE18). Also called: Early infantile epileptic encephalopathy 18. Identifiers: Orphanet 369894, MedGen C3809624, MONDO:0014201, OMIM 615476.
Inborn genetic diseases. Identifiers: MedGen C0950123, MeSH D030342.

Allele frequency attached by ClinVar (database versions not stated): gnomAD exomes 0.00003; ExAC 0.00004; ESP Exome Variant Server 0.00015; 1000 Genomes Project 30x 0.00016; 1000 Genomes Project 0.00020; TOPMed 0.00022.
gnomAD v4.1: 99 of 1,597,170 alleles (0.0062%); highest among the groups gnomAD compares: Admixed American, 0.03%; 1 homozygote.

Submissions (5):

CeGaT Center for Human Genetics Tuebingen
Classification: Uncertain significance. Last evaluated: 2025-08-01. Review status: criteria provided, single submitter. Criteria: CeGaT Center For Human Genetics Tuebingen Variant Classification Criteria Version 2. Collection method: clinical testing. Allele origin: germline. Affected: yes. Observed: 1 variant allele.

Labcorp Genetics (formerly Invitae), Labcorp
Classification: Uncertain significance. Last evaluated: 2023-12-11. Review status: criteria provided, single submitter. Criteria: Invitae Variant Classification Sherloc (09022015). Collection method: clinical testing. Allele origin: germline.
Comment: This sequence change replaces valine, which is neutral and non-polar, with alanine, which is neutral and non-polar, at codon 1902 of the SZT2 protein (p.Val1902Ala). This variant is present in population databases (rs141053867, gnomAD 0.03%), including at least one homozygous and/or hemizygous individual. This missense change has been observed in individual(s) with clinical features of SZT2-related conditions (PMID: 36034301). ClinVar contains an entry for this variant (Variation ID: 589834). Advanced modeling of protein sequence and biophysical properties (such as structural, functional, and spatial information, amino acid conservation, physicochemical variation, residue mobility, and thermodynamic stability) performed at Invitae indicates that this missense variant is expected to disrupt SZT2 protein function with a positive predictive value of 80%. In summary, the available evidence is currently insufficient to determine the role of this variant in disease. Therefore, it has been classified as a Variant of Uncertain Significance.

Genome-Nilou Lab
Classification: Uncertain significance for Developmental and epileptic encephalopathy, 18. Last evaluated: 2023-04-11. Review status: criteria provided, single submitter. Criteria: ACMG Guidelines, 2015. Collection method: clinical testing. Allele origin: germline. Affected: no.

GeneDx
Classification: Uncertain significance. Last evaluated: 2020-05-15. Review status: criteria provided, single submitter. Criteria: GeneDx Variant Classification Process June 2021. Collection method: clinical testing. Allele origin: germline. Affected: yes.
Comment: In silico analysis, which includes protein predictors and evolutionary conservation, supports a deleterious effect; Has not been previously published as pathogenic or benign to our knowledge

Ambry Genetics
Classification: Uncertain significance for Inborn genetic diseases. Last evaluated: 2016-07-08. Review status: criteria provided, single submitter. Criteria: Ambry Variant Classification Scheme 2023. Collection method: clinical testing. Allele origin: germline.
Comment: The p.V1902A variant (also known as c.5705T>C), located in coding exon 40 of the SZT2 gene, results from a T to C substitution at nucleotide position 5705. The valine at codon 1902 is replaced by alanine, an amino acid with similar properties. This variant was previously reported in the SNPDatabase as rs141053867. Based on data from the NHLBI Exome Sequencing Project (ESP), the C allele has an overall frequency of approximately 0.02% (2/12996) total alleles studied, having been observed in 0.05% (2/4400) African American alleles. Allele frequency data for this nucleotide position is not currently available from the 1000 Genomes Project. This amino acid position is not well conserved in available vertebrate species. In addition, the in silico prediction for this alteration is inconclusive. Since supporting evidence is limited at this time, the clinical significance of this variant remains unclear.

Literature cited by the submitters: PubMed 36034301 (cited by Labcorp Genetics (formerly Invitae), Labcorp).